The following is an entry in ClinVar:

ClinVar aggregate classification (germline): Likely benign (0 of 4 stars; one submission).

Conditions:
NEO1-related disorder. Also called: NEO1-related condition.

Allele frequency attached by ClinVar (database versions not stated): gnomAD exomes 0.00017; ExAC 0.00026; 1000 Genomes Project 0.00080; gnomAD 0.00080; 1000 Genomes Project 30x 0.00094; TOPMed 0.00099; ESP Exome Variant Server 0.00108.

Submission:

PreventionGenetics, part of Exact Sciences
Classification: Likely benign for NEO1-related condition. Last evaluated: 2022-06-12. Review status: no assertion criteria provided. Collection method: clinical testing. Allele origin: germline.
Comment: This variant is classified as likely benign based on ACMG/AMP sequence variant interpretation guidelines (Richards et al. 2015 PMID: 25741868, with internal and published modifications).

NM_002499.4(NEO1):c.542C>T (p.Pro181Leu)

Gene: NEO1 (neogenin 1; plus strand). Cytogenetic location: 15q24.1.
Variant type: single nucleotide variant.
Coding change: c.542C>T on transcript NM_002499.4 (MANE Select); coding-DNA position 542, C replaced by T.
Protein change: p.Pro181Leu; replaces proline 181 with leucine.
Molecular consequence: missense variant.
Genome position (GRCh38, 1-based): chr15:73,122,618, C>T. VCF-style: chr15-73122618-C-T. GRCh37 (hg19) VCF-style: chr15-73414959-C-T.
Other names: c.542C>T, p.Pro181Leu (NM_001172623.2, NM_001172624.2, NM_001419531.1); short protein forms P181L.
Identifiers: ClinVar variation 3039533 (VCV003039533.2), dbSNP rs146427236, ClinGen allele CA7647663.